The following is an entry in ClinVar:

ClinVar aggregate classification (germline): Conflicting classifications of pathogenicity. Review status: criteria provided, conflicting classifications (1 of 4 stars). 3 submissions from 3 submitters: Uncertain significance (1); Likely benign (2). Last evaluated 2025-06-04.

Conditions:
FOXE3-related disorder. Also called: FOXE3-related condition.
Congenital primary aphakia. Also called: ANTERIOR SEGMENT DYSGENESIS 2; Anterior segment dysgenesis 2, multiple subtypes. Identifiers: Orphanet 83461, MedGen C1853230, MONDO:0012456, OMIM 610256.
Anterior segment dysgenesis. Also called: Ocular anterior segment dysgenesis. Identifiers: Orphanet 88632, MedGen C1862839, MONDO:0019503, HP:0007700.
Cardiovascular phenotype. Identifiers: MedGen CN230736.

Allele frequency attached by ClinVar (database versions not stated): TOPMed 0.00001.

Submissions (3):

PreventionGenetics, part of Exact Sciences
Classification: Likely benign for FOXE3-related condition. Last evaluated: 2025-06-04. Review status: criteria provided, single submitter. Criteria: ACMG Guidelines, 2015. Collection method: clinical testing. Allele origin: germline.
Comment: This variant is classified as likely benign based on ACMG/AMP sequence variant interpretation guidelines (Richards et al. 2015 PMID: 25741868, with internal and published modifications).

Labcorp Genetics (formerly Invitae), Labcorp
Classification: Uncertain significance for Anterior segment dysgenesis; Congenital primary aphakia. Last evaluated: 2024-09-17. Review status: criteria provided, single submitter. Criteria: Invitae Variant Classification Sherloc (09022015). Collection method: clinical testing. Allele origin: germline.
Comment: This sequence change affects codon 185 of the FOXE3 mRNA. It is a 'silent' change, meaning that it does not change the encoded amino acid sequence of the FOXE3 protein. This variant is not present in population databases (gnomAD no frequency). This variant has not been reported in the literature in individuals affected with FOXE3-related conditions. ClinVar contains an entry for this variant (Variation ID: 1748284). In summary, the available evidence is currently insufficient to determine the role of this variant in disease. Therefore, it has been classified as a Variant of Uncertain Significance.

Ambry Genetics
Classification: Likely benign for Cardiovascular phenotype. Last evaluated: 2019-08-13. Review status: criteria provided, single submitter. Criteria: Ambry Variant Classification Scheme 2023. Collection method: clinical testing. Allele origin: germline.

NM_012186.3(FOXE3):c.555C>T (p.Pro185=)

Genes: FOXE3 (forkhead box E3; plus strand), LINC01389 (long independently transcribed non-coding RNA 1389; minus strand). Cytogenetic location: 1p33.
Variant type: single nucleotide variant.
Coding change: c.555C>T on transcript NM_012186.3 (MANE Select); coding-DNA position 555, C replaced by T.
Protein change: p.Pro185=; no amino-acid change (proline 185 retained).
Molecular consequence: synonymous variant.
Genome position (GRCh38, 1-based): chr1:47,416,870, C>T. VCF-style: chr1-47416870-C-T. GRCh37 (hg19) VCF-style: chr1-47882542-C-T.
Identifiers: ClinVar variation 1748284 (VCV001748284.5), dbSNP rs758322369, ClinGen allele CA417892612.
Genomic context (GRCh38, chr1:47,416,870, plus strand): 5'-GCGCTTCAAGCGCGCCGAGCTGCCCGCGCACGCGGCCGCGGCGCCAGGGCCGCCGCTCCC[C>T]TTCCCCTACGCGCCCTACGCGCCCGCGCCCGGCCCCGCGCTGCTGGTGCCGCCGCCTTCT-3'
Protein context (NP_036318.1, residues 175-195): HAAAAPGPPL[Pro185=]FPYAPYAPAP